The following is an entry in ClinVar:

ClinVar aggregate classification (germline): Uncertain significance (1 of 4 stars; one submission).

gnomAD v4.1: 3 of 1,612,500 alleles (0.00019%); highest among the groups gnomAD compares: Non-Finnish European, 0.00025%; no homozygotes.

Submission:

Labcorp Genetics (formerly Invitae), Labcorp
Classification: Uncertain significance. Last evaluated: 2025-10-26. Review status: criteria provided, single submitter. Criteria: Invitae Variant Classification Sherloc (09022015). Collection method: clinical testing. Allele origin: germline.
Comment: This sequence change replaces glutamic acid, which is acidic and polar, with lysine, which is basic and polar, at codon 22 of the RELA protein (p.Glu22Lys). This variant is not present in population databases (gnomAD no frequency). This variant has not been reported in the literature in individuals affected with RELA-related conditions. An algorithm developed to predict the effect of missense changes on protein structure and function (PolyPhen-2) suggests that this variant is likely to be disruptive. In summary, the available evidence is currently insufficient to determine the role of this variant in disease. Therefore, it has been classified as a Variant of Uncertain Significance.

NM_021975.4(RELA):c.64G>A (p.Glu22Lys)

Gene: RELA (RELA proto-oncogene, NF-kB subunit; minus strand). Cytogenetic location: 11q13.1.
Variant type: single nucleotide variant.
Coding change: c.64G>A on transcript NM_021975.4 (MANE Select); coding-DNA position 64, G replaced by A.
Protein change: p.Glu22Lys; replaces glutamic acid 22 with lysine.
Molecular consequence: missense variant. On other transcripts: 5 prime UTR variant (3).
Genome position (GRCh38, 1-based): chr11:65,662,059, C>T on the plus strand (G>A on the coding strand, the complement: RELA is on the minus strand). VCF-style: chr11-65662059-C-T. GRCh37 (hg19) VCF-style: chr11-65429530-C-T.
Other names: c.64G>A, p.Glu22Lys (NM_001145138.2, NM_001243984.2, NM_001243985.2 and 3 more transcripts); c.37G>A, p.Glu13Lys (NM_001404658.1); c.-226G>A (NM_001404661.1); c.-30G>A (NM_001404662.1, NM_001404663.1); short protein forms E13K, E22K.
Identifiers: ClinVar variation 4775825 (VCV004775825.1).